The following is an entry in ClinVar:

NM_000051.4(ATM):c.7091C>T (p.Ala2364Val)

Genes: C11orf65 (chromosome 11 open reading frame 65; minus strand), ATM (ATM serine/threonine kinase; plus strand). Cytogenetic location: 11q22.3.
Variant type: single nucleotide variant.
Coding change: c.7091C>T on transcript NM_000051.4 (MANE Select); coding-DNA position 7091, C replaced by T.
Protein change: p.Ala2364Val; replaces alanine 2364 with valine.
Molecular consequence: missense variant. On other transcripts: intron variant (2).
Genome position (GRCh38, 1-based): chr11:108,329,022, C>T. VCF-style: chr11-108329022-C-T. GRCh37 (hg19) VCF-style: chr11-108199749-C-T.
Other names: c.7091C>T, p.Ala2364Val (NM_001351834.2); c.641-19951G>A (NM_001330368.2); c.*38+6198G>A (NM_001351110.2); short protein forms A2364V.
Identifiers: ClinVar variation 479043 (VCV000479043.15), dbSNP rs1555121919, ClinGen allele CA382559380.

ClinVar aggregate classification (germline): Uncertain significance. Review status: criteria provided, multiple submitters, no conflicts (2 of 4 stars). 2 submissions from 2 submitters: Uncertain significance (2). Last evaluated 2024-10-14.

Conditions:
Hereditary cancer-predisposing syndrome. Also called: Neoplastic Syndromes, Hereditary; Hereditary Cancer Syndrome; Tumor predisposition; Hereditary neoplastic syndrome. Identifiers: Orphanet 140162, MedGen C0027672, MeSH D009386, MONDO:0015356.
Ataxia-telangiectasia syndrome (AT). Also called: LOUIS-BAR SYNDROME; Cerebello-oculocutaneous telangiectasia; Immunodeficiency with ataxia telangiectasia; Ataxia-telangiectasia, complementation group D; AT, COMPLEMENTATION GROUP C; Ataxia-telangiectasia, complementation group E. Identifiers: Orphanet 100, MedGen C0004135, MONDO:0008840, OMIM 208900.

Submissions (2):

Ambry Genetics
Classification: Uncertain significance for Hereditary cancer-predisposing syndrome. Last evaluated: 2024-10-14. Review status: criteria provided, single submitter. Criteria: Ambry Variant Classification Scheme 2023. Collection method: clinical testing. Allele origin: germline.
Comment: The p.A2364V variant (also known as c.7091C>T), located in coding exon 48 of the ATM gene, results from a C to T substitution at nucleotide position 7091. The alanine at codon 2364 is replaced by valine, an amino acid with similar properties. This amino acid position is highly conserved in available vertebrate species. In addition, the in silico prediction for this alteration is inconclusive. Based on the available evidence, the clinical significance of this variant remains unclear.

Labcorp Genetics (formerly Invitae), Labcorp
Classification: Uncertain significance for Ataxia-telangiectasia syndrome. Last evaluated: 2020-10-24. Review status: criteria provided, single submitter. Criteria: Invitae Variant Classification Sherloc (09022015). Collection method: clinical testing. Allele origin: germline.
Comment: Algorithms developed to predict the effect of sequence changes on RNA splicing suggest that this variant may create or strengthen a splice site, but this prediction has not been confirmed by published transcriptional studies. In summary, the available evidence is currently insufficient to determine the role of this variant in disease. Therefore, it has been classified as a Variant of Uncertain Significance. Algorithms developed to predict the effect of missense changes on protein structure and function are either unavailable or do not agree on the potential impact of this missense change (SIFT: "Deleterious"; PolyPhen-2: "Benign"; Align-GVGD: "Class C55"). This variant has not been reported in the literature in individuals with ATM-related disease. ClinVar contains an entry for this variant (Variation ID: 479043). This variant is not present in population databases (ExAC no frequency). This sequence change replaces alanine with valine at codon 2364 of the ATM protein (p.Ala2364Val). The alanine residue is highly conserved and there is a small physicochemical difference between alanine and valine.